The following is an entry in ClinVar:

ClinVar aggregate classification (germline): Uncertain significance. Review status: criteria provided, single submitter (1 of 4 stars). 2 submissions from 2 submitters: Uncertain significance (1). 1 of the submissions does not count toward it. Last evaluated 2025-12-11.

Conditions:
Inborn genetic diseases. Identifiers: MedGen C0950123, MeSH D030342.
LEPR-related disorder. Also called: LEPR-related condition; LEPR-related disorders.

gnomAD v4.1: 4 of 1,613,998 alleles (0.00025%); highest among the groups gnomAD compares: Admixed American, 0.005%; no homozygotes.

Submissions (2):

Ambry Genetics
Classification: Uncertain significance for Inborn genetic diseases. Last evaluated: 2025-12-11. Review status: criteria provided, single submitter. Criteria: Ambry Variant Classification Scheme 2023. Collection method: clinical testing. Allele origin: germline.

PreventionGenetics, part of Exact Sciences
Classification: Uncertain significance for LEPR-related condition. Last evaluated: 2024-03-23. Review status: no assertion criteria provided. Collection method: clinical testing. Allele origin: germline. Not counted in ClinVar's aggregate classification.
Comment: The LEPR c.2971A>G variant is predicted to result in the amino acid substitution p.Ser991Gly. To our knowledge, this variant has not been reported in the literature. This variant is reported in 0.0029% of alleles in individuals of Latino descent in gnomAD. At this time, the clinical significance of this variant is uncertain due to the absence of conclusive functional and genetic evidence.

NM_002303.6(LEPR):c.2971A>G (p.Ser991Gly)

Gene: LEPR (leptin receptor; plus strand). Cytogenetic location: 1p31.3.
Variant type: single nucleotide variant.
Coding change: c.2971A>G on transcript NM_002303.6 (MANE Select); coding-DNA position 2971, A replaced by G.
Protein change: p.Ser991Gly; replaces serine 991 with glycine.
Molecular consequence: missense variant.
Genome position (GRCh38, 1-based): chr1:65,636,488, A>G. VCF-style: chr1-65636488-A-G. GRCh37 (hg19) VCF-style: chr1-66102171-A-G.
Other names: short protein forms S991G.
Identifiers: ClinVar variation 3357095 (VCV003357095.2).